The following is an entry in ClinVar:

NM_020297.4(ABCC9):c.1982G>A (p.Arg661His)

Gene: ABCC9 (ATP binding cassette subfamily C member 9; minus strand). Cytogenetic location: 12p12.1.
Variant type: single nucleotide variant.
Coding change: c.1982G>A on transcript NM_020297.4 (MANE Select); coding-DNA position 1982, G replaced by A.
Protein change: p.Arg661His; replaces arginine 661 with histidine.
Molecular consequence: missense variant.
Genome position (GRCh38, 1-based): chr12:21,882,803, C>T on the plus strand (G>A on the coding strand, the complement: ABCC9 is on the minus strand). VCF-style: chr12-21882803-C-T. GRCh37 (hg19) VCF-style: chr12-22035737-C-T.
Other names: c.1982G>A, p.Arg661His (NM_001377273.1, NM_005691.4); c.1118G>A, p.Arg373His (NM_001377274.1); short protein forms R661H, R373H.
Identifiers: ClinVar variation 45394 (VCV000045394.13), dbSNP rs397517185, ClinGen allele CA136230.

ClinVar aggregate classification (germline): Uncertain significance. Review status: criteria provided, multiple submitters, no conflicts (2 of 4 stars). 3 submissions from 3 submitters: Uncertain significance (3). Last evaluated 2026-02-17.

Conditions:
Dilated cardiomyopathy 1O (CMD1O). Also called: CARDIOMYOPATHY, DILATED, WITH VENTRICULAR TACHYCARDIA. Identifiers: Orphanet 154, MedGen C1837839, MONDO:0012062, OMIM 608569.

Allele frequency attached by ClinVar (database versions not stated): TOPMed below 0.00001; gnomAD exomes 0.00001; ExAC 0.00002.
gnomAD v4.1: 18 of 1,613,926 alleles (0.0011%); highest among the groups gnomAD compares: Admixed American, 0.0017%; no homozygotes.

Submissions (3):

Women's Health and Genetics/Laboratory Corporation of America, LabCorp
Classification: Uncertain significance. Last evaluated: 2026-02-17. Review status: criteria provided, single submitter. Criteria: LabCorp Variant Classification Summary - May 2015. Collection method: clinical testing. Allele origin: germline.
Comment: Variant summary: ABCC9 c.1982G>A (p.Arg661His) results in a non-conservative amino acid change in the encoded protein sequence. Algorithms developed to predict the effect of missense changes on protein structure and function are either unavailable or do not agree on the potential impact of this missense change. The variant allele was found at a frequency of 8e-06 in 251356 control chromosomes. The available data on variant occurrences in the general population are insufficient to allow any conclusion about variant significance. c.1982G>A has been observed in individual(s) affected with HCM and SIDS, without strong evidence for causality (Cirino_2017, Kotta_2023). These report(s) do not provide unequivocal conclusions about association of the variant with Dilated Cardiomyopathy. To our knowledge, no experimental evidence demonstrating an impact on protein function has been reported. The following publications have been ascertained in the context of this evaluation (PMID: 29030401, 37589201). ClinVar contains an entry for this variant (Variation ID: 45394). Based on the evidence outlined above, the variant was classified as uncertain significance.

Labcorp Genetics (formerly Invitae), Labcorp
Classification: Uncertain significance for Dilated cardiomyopathy 1O. Last evaluated: 2024-01-26. Review status: criteria provided, single submitter. Criteria: Invitae Variant Classification Sherloc (09022015). Collection method: clinical testing. Allele origin: germline.
Comment: This sequence change replaces arginine, which is basic and polar, with histidine, which is basic and polar, at codon 661 of the ABCC9 protein (p.Arg661His). This variant is present in population databases (rs397517185, gnomAD 0.004%). This missense change has been observed in individual(s) with hypertrophic cardiomyopathy (PMID: 29030401). ClinVar contains an entry for this variant (Variation ID: 45394). Advanced modeling of protein sequence and biophysical properties (such as structural, functional, and spatial information, amino acid conservation, physicochemical variation, residue mobility, and thermodynamic stability) has been performed at Invitae for this missense variant, however the output from this modeling did not meet the statistical confidence thresholds required to predict the impact of this variant on ABCC9 protein function. In summary, the available evidence is currently insufficient to determine the role of this variant in disease. Therefore, it has been classified as a Variant of Uncertain Significance.

Laboratory for Molecular Medicine, Mass General Brigham Personalized Medicine
Classification: Uncertain significance. Last evaluated: 2014-01-31. Review status: criteria provided, single submitter. Criteria: LMM Criteria. Collection method: clinical testing. Allele origin: germline. Observed: 2 variant alleles.
Comment: The Arg661His variant in ABCC9 has not been reported in the literature nor previ ously identified by our laboratory. It was also not detected in 2 large and broa d populations (European and African American) screened by the NHLBI Exome Sequen cing Project, which is consistent with patho genicity but insufficient to rule out a benign role. Computational analyses (bio chemical amino acid properties, conservation, AlignGVGD, PolyPhen2, and SIFT) do not provide strong support for or against an impact to the protein. Additional information is needed to fully assess the clinical significance of the Arg661His variant.

Literature cited by the submitters: PubMed 29030401 (cited by Women's Health and Genetics/Laboratory Corporation of America, LabCorp and Labcorp Genetics (formerly Invitae), Labcorp); PubMed 37589201 (cited by Women's Health and Genetics/Laboratory Corporation of America, LabCorp).